The following is an entry in ClinVar:

NM_024675.4(PALB2):c.3476G>T (p.Trp1159Leu)

Gene: PALB2 (partner and localizer of BRCA2; minus strand). Cytogenetic location: 16p12.2.
Variant type: single nucleotide variant.
Coding change: c.3476G>T on transcript NM_024675.4 (MANE Select); coding-DNA position 3476, G replaced by T.
Protein change: p.Trp1159Leu; replaces tryptophan 1159 with leucine.
Molecular consequence: missense variant.
Genome position (GRCh38, 1-based): chr16:23,603,544, C>A on the plus strand (G>T on the coding strand, the complement: PALB2 is on the minus strand). VCF-style: chr16-23603544-C-A. GRCh37 (hg19) VCF-style: chr16-23614865-C-A.
Other names: short protein forms W1159L.
Identifiers: ClinVar variation 460996 (VCV000460996.22), dbSNP rs587782050, ClinGen allele CA279524947.
Genomic context (GRCh38, chr16:23,603,544, plus strand): 5'-TTTCCATCTTTTTGTCCAGCCAGCAAATGAGAGTCTGTACCCGACCATTTCACAAAAGAC[C>A]AATGTTGGTCAGAGACAGGTGGGAGGAGGGCAGTACACTGACCGAGAAGTAAGTCCCAAA-3'
Protein context (NP_078951.2, residues 1149-1169): ALLPPVSDQH[Trp1159Leu]SFVKWSGTDS

ClinVar aggregate classification (germline): Conflicting classifications of pathogenicity. Review status: criteria provided, conflicting classifications (1 of 4 stars). 6 submissions from 6 submitters: Uncertain significance (4); Likely benign (2). Last evaluated 2025-12-16.

Conditions:
Hereditary cancer-predisposing syndrome. Also called: Neoplastic Syndromes, Hereditary; Hereditary Cancer Syndrome; Hereditary neoplastic syndrome; Tumor predisposition. Identifiers: Orphanet 140162, MedGen C0027672, MeSH D009386, MONDO:0015356.
Familial cancer of breast. Also called: BREAST CANCER, FAMILIAL; Hereditary breast cancer; hereditary breast carcinoma. Identifiers: Orphanet 227535, MedGen C0346153, MONDO:0016419, OMIM 114480. Disease mechanism: loss of function.

Allele frequency attached by ClinVar (database versions not stated): gnomAD 0.00001; TOPMed 0.00002.

Submissions (6):

Color Diagnostics, LLC DBA Color Health
Classification: Likely benign for Hereditary cancer-predisposing syndrome. Last evaluated: 2025-12-16. Review status: criteria provided, single submitter. Criteria: ACMG Guidelines, 2015. Collection method: clinical testing. Allele origin: germline.

Labcorp Genetics (formerly Invitae), Labcorp
Classification: Uncertain significance for Familial cancer of breast. Last evaluated: 2025-11-18. Review status: criteria provided, single submitter. Criteria: Invitae Variant Classification Sherloc (09022015). Collection method: clinical testing. Allele origin: germline.
Comment: This sequence change replaces tryptophan, which is neutral and slightly polar, with leucine, which is neutral and non-polar, at codon 1159 of the PALB2 protein (p.Trp1159Leu). This variant is not present in population databases (gnomAD no frequency). This variant has not been reported in the literature in individuals affected with PALB2-related conditions. ClinVar contains an entry for this variant (Variation ID: 460996). An algorithm developed to predict the effect of missense changes on protein structure and function (PolyPhen-2) suggests that this variant is likely to be disruptive. Experimental studies have shown that this missense change does not substantially affect PALB2 function (PMID: 31757951). In summary, the available evidence is currently insufficient to determine the role of this variant in disease. Therefore, it has been classified as a Variant of Uncertain Significance.

Myriad Genetics, Inc.
Classification: Likely benign for Familial cancer of breast. Last evaluated: 2024-05-16. Review status: criteria provided, single submitter. Criteria: Myriad Autosomal Dominant, Autosomal Recessive and X-Linked Classification Criteria (2023). Collection method: clinical testing. Allele origin: unknown.
Comment: This variant is considered likely benign. This variant has been observed in trans with a known pathogenic variant in one or more individuals lacking clinical features consistent with gene-specific recessive disease.

Ambry Genetics
Classification: Uncertain significance for Hereditary cancer-predisposing syndrome. Last evaluated: 2023-11-05. Review status: criteria provided, single submitter. Criteria: Ambry Variant Classification Scheme 2023. Collection method: clinical testing. Allele origin: germline.
Comment: The p.W1159L variant (also known as c.3476G>T), located in coding exon 13 of the PALB2 gene, results from a G to T substitution at nucleotide position 3476. The tryptophan at codon 1159 is replaced by leucine, an amino acid with similar properties. In a homology-directed DNA repair (HDR) and PARP inhibitor sensitivity assays, this alteration was found to be functionally normal (Boonen RACM et al. Nat Commun, 2019 11;10:5296). This amino acid position is highly conserved in available vertebrate species. In addition, this alteration is predicted to be tolerated by in silico analysis. Since supporting evidence is limited at this time, the clinical significance of this alteration remains unclear.

Women's Health and Genetics/Laboratory Corporation of America, LabCorp
Classification: Uncertain significance. Last evaluated: 2023-06-12. Review status: criteria provided, single submitter. Criteria: LabCorp Variant Classification Summary - May 2015. Collection method: clinical testing. Allele origin: germline.
Comment: Variant summary: PALB2 c.3476G>T (p.Trp1159Leu) results in a non-conservative amino acid change located in the WD40 domain (IPR031920) of the encoded protein sequence. Four of five in-silico tools predict a damaging effect of the variant on protein function. The variant was absent in 251480 control chromosomes (gnomAD v2.1, Exomes dataset). The available data on variant occurrences in the general population are insufficient to allow any conclusion about variant significance. To our knowledge, no occurrence of c.3476G>T in individuals affected with Hereditary Breast And Ovarian Cancer Syndrome has been reported. At least one publication reports experimental evidence evaluating an impact on protein function and found no damaging effect of this variant on homologous recombination or in a PARP inhibitor sensitivity assay (e.g., Boonen_2019). The following publication was ascertained in the context of this evaluation (PMID: 31757951). Three clinical diagnostic laboratories have submitted clinical-significance assessments for this variant to ClinVar after 2014, and all laboratories classified the variant as uncertain significance. Based on the evidence outlined above, the variant was classified as uncertain significance.

GeneDx
Classification: Uncertain significance. Last evaluated: 2023-03-21. Review status: criteria provided, single submitter. Criteria: GeneDx Variant Classification Process June 2021. Collection method: clinical testing. Allele origin: germline. Affected: yes.
Comment: Not observed at significant frequency in large population cohorts (gnomAD); In silico analysis supports that this missense variant has a deleterious effect on protein structure/function; Published functional studies demonstrate: protein production, homologous recombination efficiency, and sensitivity to PARP inhibition to proliferation similar to wildtype (Boonen et al., 2019); This variant is associated with the following publications: (PMID: 24485656, 19609323, 20871615, 28152038, 31757951)

Literature cited by the submitters: PubMed 31757951 (cited by 3 submitters).